The following is an entry in ClinVar:

ClinVar aggregate classification (germline): Uncertain significance (1 of 4 stars; one submission).

Allele frequency attached by ClinVar (database versions not stated): gnomAD exomes below 0.00001.
gnomAD v4.1: 1 of 1,613,916 alleles (0.000062%); highest among the groups gnomAD compares: Non-Finnish European, 0.000085%; no homozygotes.

Submission:

Ambry Genetics
Classification: Uncertain significance. Last evaluated: 2022-03-12. Review status: criteria provided, single submitter. Criteria: Ambry Variant Classification Scheme 2023. Collection method: clinical testing. Allele origin: germline.
Comment: The p.S1049A variant (also known as c.3145T>G), located in coding exon 4 of the ALPK2 gene, results from a T to G substitution at nucleotide position 3145. The serine at codon 1049 is replaced by alanine, an amino acid with similar properties. This amino acid position is conserved. In addition, this alteration is predicted to be tolerated by in silico analysis. Since supporting evidence is limited at this time, the clinical significance of this alteration remains unclear.

NM_052947.4(ALPK2):c.3145T>G (p.Ser1049Ala)

Gene: ALPK2 (alpha kinase 2; minus strand). Cytogenetic location: 18q21.31.
Variant type: single nucleotide variant.
Coding change: c.3145T>G on transcript NM_052947.4 (MANE Select); coding-DNA position 3145, T replaced by G.
Protein change: p.Ser1049Ala; replaces serine 1049 with alanine.
Molecular consequence: missense variant.
Genome position (GRCh38, 1-based): chr18:58,537,042, A>C on the plus strand (T>G on the coding strand, the complement: ALPK2 is on the minus strand). VCF-style: chr18-58537042-A-C. GRCh37 (hg19) VCF-style: chr18-56204274-A-C.
Other names: short protein forms S1049A.
Identifiers: ClinVar variation 1728124 (VCV001728124.2), dbSNP rs2518876831, ClinGen allele CA402569010.